The following is an entry in ClinVar:

ClinVar aggregate classification (germline): Uncertain significance (1 of 4 stars; one submission).

gnomAD v4.1: 2 of 1,613,826 alleles (0.00012%); no homozygotes.

Submission:

GeneDx
Classification: Uncertain significance. Last evaluated: 2023-05-15. Review status: criteria provided, single submitter. Criteria: GeneDx Variant Classification Process June 2021. Collection method: clinical testing. Allele origin: germline. Affected: yes.
Comment: Not observed at significant frequency in large population cohorts (gnomAD); In silico analysis supports that this missense variant has a deleterious effect on protein structure/function; Has not been previously published as pathogenic or benign to our knowledge

NM_018026.4(PACS1):c.1873A>C (p.Lys625Gln)

Gene: PACS1 (phosphofurin acidic cluster sorting protein 1; plus strand). Cytogenetic location: 11q13.2.
Variant type: single nucleotide variant.
Coding change: c.1873A>C on transcript NM_018026.4 (MANE Select); coding-DNA position 1873, A replaced by C.
Protein change: p.Lys625Gln; replaces lysine 625 with glutamine.
Molecular consequence: missense variant.
Genome position (GRCh38, 1-based): chr11:66,233,819, A>C. VCF-style: chr11-66233819-A-C. GRCh37 (hg19) VCF-style: chr11-66001290-A-C.
Other names: short protein forms K625Q.
Identifiers: ClinVar variation 3343330 (VCV003343330.1).
Genomic context (GRCh38, chr11:66,233,819, plus strand): 5'-GCTATGACGCTCCCCTTCCTCCCCAGCTGCAACTGCAACTCTTCCATGCCGAGGCCAGTG[A>C]AGGTGGCTGCTGTGGGAGGCCAGAGCTACCTGAGCTCCATCCTCAGGTTCTTTGTCAAGT-3'
Protein context (NP_060496.2, residues 615-635): NCNSSMPRPV[Lys625Gln]VAAVGGQSYL